The following is an entry in ClinVar:

NM_001379500.1(COL18A1):c.3469del (p.His1157fs)

Genes: SLC19A1 (solute carrier family 19 member 1; minus strand), COL18A1 (collagen type XVIII alpha 1 chain; plus strand). Cytogenetic location: 21q22.3.
Variant type: Deletion.
Coding change: c.3469del on transcript NM_001379500.1 (MANE Select); coding-DNA position 3469, one base deleted (C; older notation c.3469delC).
Protein change: p.His1157fs; shifts the reading frame from histidine 1157.
Molecular consequence: frameshift variant.
Genome position (GRCh38, 1-based): chr21:45,509,575, C deleted; the last of 3 consecutive C bases (chr21:45,509,573-45,509,575); deleting any one gives the same sequence. VCF-style (leftmost placement, unchanged base first): chr21-45509572-GC-G. GRCh37 (hg19) VCF-style: chr21-46929486-GC-G.
Other names: c.4000del, p.His1334fs (NM_030582.4); c.4705del, p.His1569fs (NM_130444.3); short protein forms H1569fs, H1157fs, H1334fs.
Identifiers: ClinVar variation 2130137 (VCV002130137.4), dbSNP rs2517848388, ClinGen allele CA2577627191.

ClinVar aggregate classification (germline): Pathogenic (1 of 4 stars; one submission).

Submission:

Labcorp Genetics (formerly Invitae), Labcorp
Classification: Pathogenic. Last evaluated: 2023-10-09. Review status: criteria provided, single submitter. Criteria: Invitae Variant Classification Sherloc (09022015). Collection method: clinical testing. Allele origin: germline.
Comment: This sequence change creates a premature translational stop signal (p.His1154Thrfs*94) in the COL18A1 gene. It is expected to result in an absent or disrupted protein product. Loss-of-function variants in COL18A1 are known to be pathogenic (PMID: 12415512, 25456301). This variant is not present in population databases (gnomAD no frequency). This variant has not been reported in the literature in individuals affected with COL18A1-related conditions. ClinVar contains an entry for this variant (Variation ID: 2130137). For these reasons, this variant has been classified as Pathogenic.

Literature cited by the submitters: PubMed 12415512; PubMed 25456301.